The following is an entry in ClinVar:

NM_000092.5(COL4A4):c.1649_1656del (p.Pro550fs)

Gene: COL4A4 (collagen type IV alpha 4 chain; minus strand). Cytogenetic location: 2q36.3.
Variant type: Deletion.
Coding change: c.1649_1656del on transcript NM_000092.5 (MANE Select); coding-DNA positions 1649 to 1656, 8 bases deleted (CTGGCAAC; older notation c.1649_1656delCTGGCAAC).
Protein change: p.Pro550fs; shifts the reading frame from proline 550.
Molecular consequence: frameshift variant.
Genome position (GRCh38, 1-based): chr2:227,082,155-227,082,162, GTTGCCAG deleted on the plus strand (CTGGCAAC on the coding strand, the reverse complement: COL4A4 is on the minus strand); deleting any 8 consecutive bases within chr2:227,082,155-227,082,164 gives the same sequence; the c. name uses the placement nearest the transcript's 3' end. VCF-style (leftmost placement, unchanged base first): chr2-227082154-TGTTGCCAG-T. GRCh37 (hg19) VCF-style: chr2-227946870-TGTTGCCAG-T.
Other names: short protein forms P550fs.
Identifiers: ClinVar variation 2822867 (VCV002822867.3), dbSNP rs2474836895, ClinGen allele CA2739278465.

ClinVar aggregate classification (germline): Pathogenic (1 of 4 stars; one submission).

Submission:

Labcorp Genetics (formerly Invitae), Labcorp
Classification: Pathogenic. Last evaluated: 2022-12-21. Review status: criteria provided, single submitter. Criteria: Invitae Variant Classification Sherloc (09022015). Collection method: clinical testing. Allele origin: germline.
Comment: For these reasons, this variant has been classified as Pathogenic. This variant has not been reported in the literature in individuals affected with COL4A4-related conditions. This variant is not present in population databases (gnomAD no frequency). This sequence change creates a premature translational stop signal (p.Pro550Glnfs*6) in the COL4A4 gene. It is expected to result in an absent or disrupted protein product. Loss-of-function variants in COL4A4 are known to be pathogenic (PMID: 21196518, 24854265, 25307543).

Literature cited by the submitters: PubMed 21196518; PubMed 24854265; PubMed 25307543.